The following is an entry in ClinVar:

ClinVar aggregate classification (germline): Uncertain significance (1 of 4 stars; one submission).

Allele frequency attached by ClinVar (database versions not stated): gnomAD exomes 0.00001; TOPMed 0.00001; gnomAD 0.00002.
gnomAD v4.1: 9 of 1,149,523 alleles (0.00078%); highest among the groups gnomAD compares: Admixed American, 0.0053%; no homozygotes.

Submission:

Labcorp Genetics (formerly Invitae), Labcorp
Classification: Uncertain significance. Last evaluated: 2022-04-01. Review status: criteria provided, single submitter. Criteria: Invitae Variant Classification Sherloc (09022015). Collection method: clinical testing. Allele origin: germline.
Comment: This variant is present in population databases (no rsID available, gnomAD 0.009%). This variant has not been reported in the literature in individuals affected with ATP6AP1-related conditions. Algorithms developed to predict the effect of missense changes on protein structure and function are either unavailable or do not agree on the potential impact of this missense change (SIFT: "Tolerated"; PolyPhen-2: "Not Available"; Align-GVGD: "Class C0"). In summary, the available evidence is currently insufficient to determine the role of this variant in disease. Therefore, it has been classified as a Variant of Uncertain Significance. This sequence change replaces methionine, which is neutral and non-polar, with valine, which is neutral and non-polar, at codon 5 of the ATP6AP1 protein (p.Met5Val).

NM_001183.6(ATP6AP1):c.13A>G (p.Met5Val)

Gene: ATP6AP1 (ATPase H+ transporting accessory protein 1; plus strand). Cytogenetic location: Xq28.
Variant type: single nucleotide variant.
Coding change: c.13A>G on transcript NM_001183.6 (MANE Select); coding-DNA position 13, A replaced by G.
Protein change: p.Met5Val; replaces methionine 5 with valine.
Molecular consequence: missense variant.
Genome position (GRCh38, 1-based): chrX:154,428,705, A>G. VCF-style: chrX-154428705-A-G. GRCh37 (hg19) VCF-style: chrX-153657051-A-G.
Other names: short protein forms M5V.
Identifiers: ClinVar variation 1939594 (VCV001939594.5), dbSNP rs1188595076, ClinGen allele CA415187251.